The following is an entry in ClinVar:

ClinVar aggregate classification (germline): Likely pathogenic. Review status: criteria provided, multiple submitters, no conflicts (2 of 4 stars). 2 submissions from 2 submitters: Likely pathogenic (2). Last evaluated 2022-10-28.

Conditions:
Dilated cardiomyopathy 1G (CMD1G). Identifiers: Orphanet 154, MedGen C1858763, MONDO:0011400, OMIM 604145.
Autosomal recessive limb-girdle muscular dystrophy type 2J (LGMDR10). Also called: Limb-girdle muscular dystrophy, type 2J; MUSCULAR DYSTROPHY, LIMB-GIRDLE, AUTOSOMAL RECESSIVE 10. Identifiers: Orphanet 140922, MedGen C1837342, MONDO:0012127, OMIM 608807.

Submissions (2):

Institute of Human Genetics, University of Leipzig Medical Center
Classification: Likely pathogenic for Dilated cardiomyopathy 1G. Last evaluated: 2022-10-28. Review status: criteria provided, single submitter. Criteria: ACMG Guidelines, 2015. Collection method: clinical testing. Allele origin: maternal.
Comment: _x000D_ Criteria applied: PVS1, PM2_SUP

Labcorp Genetics (formerly Invitae), Labcorp
Classification: Likely pathogenic for Dilated cardiomyopathy 1G; Autosomal recessive limb-girdle muscular dystrophy type 2J. Last evaluated: 2022-07-05. Review status: criteria provided, single submitter. Criteria: Invitae Variant Classification Sherloc (09022015). Collection method: clinical testing. Allele origin: germline.
Comment: In summary, the currently available evidence indicates that the variant is pathogenic, but additional data are needed to prove that conclusively. Therefore, this variant has been classified as Likely Pathogenic. This variant is located in the A band of TTN (PMID: 25589632). Truncating variants in this region are significantly overrepresented in patients affected with dilated cardiomyopathy (PMID: 25589632). Truncating variants in this region have also been reported in individuals affected with autosomal recessive centronuclear myopathy (PMID: 23975875). ClinVar contains an entry for this variant (Variation ID: 1067831). This variant has not been reported in the literature in individuals affected with TTN-related conditions. This variant is not present in population databases (gnomAD no frequency). This sequence change creates a premature translational stop signal (p.Lys26921Argfs*5) in the TTN gene. While this is not anticipated to result in nonsense mediated decay, it is expected to create a truncated TTN protein.

Literature cited by the submitters: PubMed 25589632 (cited by Labcorp Genetics (formerly Invitae), Labcorp); PubMed 23975875 (cited by Labcorp Genetics (formerly Invitae), Labcorp).

NM_001267550.2(TTN):c.80762_80765del (p.Lys26921fs)

Genes: TTN (titin; minus strand), TTN-AS1 (TTN antisense RNA 1; plus strand). Cytogenetic location: 2q31.2.
Variant type: Deletion.
Coding change: c.80762_80765del on transcript NM_001267550.2 (MANE Select); coding-DNA positions 80762 to 80765, 4 bases deleted (AACA; older notation c.80762_80765delAACA).
Protein change: p.Lys26921fs; shifts the reading frame from lysine 26921.
Molecular consequence: frameshift variant.
Genome position (GRCh38, 1-based): chr2:178,565,367-178,565,370, TGTT deleted on the plus strand (AACA on the coding strand, the reverse complement: TTN is on the minus strand); deleting any 4 consecutive bases within chr2:178,565,367-178,565,371 gives the same sequence; the c. name uses the placement nearest the transcript's 3' end. VCF-style (leftmost placement, unchanged base first): chr2-178565366-CTGTT-C. GRCh37 (hg19) VCF-style: chr2-179430093-CTGTT-C.
Other names: c.75839_75842del, p.Lys25280fs (NM_001256850.1); c.53567_53570del, p.Lys17856fs (NM_003319.4); c.73058_73061del, p.Lys24353fs (NM_133378.4); c.53942_53945del, p.Lys17981fs (NM_133432.3); c.54143_54146del, p.Lys18048fs (NM_133437.4); short protein forms K17856fs, K17981fs, K18048fs, K24353fs, K25280fs, K26921fs.
Identifiers: ClinVar variation 1067831 (VCV001067831.8), dbSNP rs2154164725, ClinGen allele CA2499215352.